The following is an entry in ClinVar:

NM_003052.5(SLC34A1):c.1227C>A (p.Gly409=)

Gene: SLC34A1 (solute carrier family 34 member 1; plus strand). Cytogenetic location: 5q35.3.
Variant type: single nucleotide variant.
Coding change: c.1227C>A on transcript NM_003052.5 (MANE Select); coding-DNA position 1227, C replaced by A.
Protein change: p.Gly409=; no amino-acid change (glycine 409 retained).
Molecular consequence: synonymous variant.
Genome position (GRCh38, 1-based): chr5:177,396,785, C>A. VCF-style: chr5-177396785-C-A. GRCh37 (hg19) VCF-style: chr5-176823786-C-A.
Identifiers: ClinVar variation 352969 (VCV000352969.10), dbSNP rs145542852, ClinGen allele CA3580703.
Genomic context (GRCh38, chr5:177,396,785, plus strand): 5'-CCTTGCAGACTTCCCTGCCCCCTTCACCTGGGTCACAGGCTACTTTGCCATGGTGGTGGG[C>A]GCCAGCATGACCTTCGTGGTCCAGAGCAGTTCTGTGTTCACCTCGGCCATCACCCCACTC-3'
Protein context (NP_003043.3, residues 399-419): WVTGYFAMVV[Gly409=]ASMTFVVQSS

ClinVar aggregate classification (germline): Benign/Likely benign. Review status: criteria provided, multiple submitters, no conflicts (2 of 4 stars). 3 submissions from 3 submitters: Benign (1); Likely benign (2). Last evaluated 2025-06-23.

Conditions:
Hypophosphatemic nephrolithiasis/osteoporosis 1. Identifiers: Orphanet 244305, MedGen C2676786, MONDO:0012850, OMIM 612286.
Fanconi renotubular syndrome 2 (FRTS2). Identifiers: MedGen C3150652, MONDO:0013247, OMIM 613388.
Hypercalcemia, infantile, 2 (HCINF2). Identifiers: Orphanet 300547, MedGen C4310473, MONDO:0014851, OMIM 616963.

Allele frequency attached by ClinVar (database versions not stated): TOPMed 0.00027; ESP Exome Variant Server 0.00031.
gnomAD v4.1: 437 of 1,614,094 alleles (0.027%); highest among the groups gnomAD compares: Non-Finnish European, 0.034%; no homozygotes.

Submissions (3):

Labcorp Genetics (formerly Invitae), Labcorp
Classification: Likely benign. Last evaluated: 2025-06-23. Review status: criteria provided, single submitter. Criteria: Invitae Variant Classification Sherloc (09022015). Collection method: clinical testing. Allele origin: germline.

Fulgent Genetics
Classification: Likely benign for Hypophosphatemic nephrolithiasis/osteoporosis 1; Fanconi renotubular syndrome 2; Hypercalcemia, infantile, 2. Last evaluated: 2022-02-08. Review status: criteria provided, single submitter. Criteria: ACMG Guidelines, 2015. Collection method: clinical testing. Allele origin: unknown.

Illumina Laboratory Services, Illumina
Classification: Benign for Hypophosphatemic nephrolithiasis/osteoporosis 1. Last evaluated: 2018-01-13. Review status: criteria provided, single submitter. Criteria: ICSL Variant Classification Criteria 13 December 2019. Collection method: clinical testing. Allele origin: germline.
Comment: This variant was observed in the ICSL laboratory as part of a predisposition screen in an ostensibly healthy population. It had not been previously curated by ICSL or reported in the Human Gene Mutation Database (HGMD: prior to June 1st, 2018), and was therefore a candidate for classification through an automated scoring system. Utilizing variant allele frequency, disease prevalence and penetrance estimates, and inheritance mode, an automated score was calculated to assess if this variant is too frequent to cause the disease. Based on the score and internal cut-off values, a variant classified as benign is not then subjected to further curation. The score for this variant resulted in a classification of benign for this disease.